The following is an entry in ClinVar:

ClinVar aggregate classification (germline): Uncertain significance (1 of 4 stars; one submission).

gnomAD v4.1: 3 of 1,562,478 alleles (0.00019%); highest among the groups gnomAD compares: Non-Finnish European, 0.00026%; no homozygotes.

Submission:

GeneDx
Classification: Uncertain significance. Last evaluated: 2014-01-09. Review status: criteria provided, single submitter. Criteria: GeneDx Variant Classification (06012015). Collection method: clinical testing. Allele origin: germline. Affected: yes.
Comment: The G78R variant in the TMPO gene has not been reported as a disease-causing mutation or as a benign polymorphism to our knowledge. The G78R variant was not observed in approximately 5,000 individuals of European and African American ancestry in the NHLBI Exome Sequencing Project, indicating it is not a common benign variant in these populations. The G78R variant is a non-conservative amino acid substitution as these residues differ in polarity, charge, size and/or other properties and is more likely to impact secondary structure. The G78 residue is conserved mostly in mammals. In silico analysis predicts G78R is probably damaging to the protein structure/function. However, no mutations in nearby residues have been reported in association with cardiomyopathy, indicating this region of the protein may be tolerant of change. With the clinical and molecular information available at this time, we cannot definitively determine if G78R is a disease-causing mutation or a rare benign variant. The variant is found in CARDIOMYOPATHY panel(s).

NM_001032283.3(TMPO):c.232G>C (p.Gly78Arg)

Genes: TMPO (thymopoietin; plus strand), TMPO-AS1 (TMPO antisense RNA 1; minus strand), LOC130008520 (ATAC-STARR-seq lymphoblastoid silent region 4752; plus strand). Cytogenetic location: 12q23.1.
Variant type: single nucleotide variant.
Coding change: c.232G>C on transcript NM_001032283.3 (MANE Select); coding-DNA position 232, G replaced by C.
Protein change: p.Gly78Arg; replaces glycine 78 with arginine.
Molecular consequence: missense variant. On other transcripts: non-coding transcript variant (1).
Genome position (GRCh38, 1-based): chr12:98,516,099, G>C. VCF-style: chr12-98516099-G-C. GRCh37 (hg19) VCF-style: chr12-98909877-G-C.
Other names: p.G78R:GGC>CGC; c.232G>C, p.Gly78Arg (NM_001032284.3, NM_001307975.2, NM_003276.2); short protein forms G78R.
Identifiers: ClinVar variation 202138 (VCV000202138.2), dbSNP rs794729184, ClinGen allele CA308899.